The following is an entry in ClinVar:

ClinVar aggregate classification (germline): Uncertain significance (1 of 4 stars; one submission).

Submission:

Labcorp Genetics (formerly Invitae), Labcorp
Classification: Uncertain significance. Last evaluated: 2025-10-29. Review status: criteria provided, single submitter. Criteria: Invitae Variant Classification Sherloc (09022015). Collection method: clinical testing. Allele origin: germline.
Comment: This sequence change replaces asparagine, which is neutral and polar, with lysine, which is basic and polar, at codon 338 of the CTNNA1 protein (p.Asn338Lys). This variant is not present in population databases (gnomAD no frequency). This variant has not been reported in the literature in individuals affected with CTNNA1-related conditions. Invitae Evidence Modeling of protein sequence and biophysical properties (such as structural, functional, and spatial information, amino acid conservation, physicochemical variation, residue mobility, and thermodynamic stability) has been performed for this missense variant. However, the output from this modeling did not meet the statistical confidence thresholds required to predict the impact of this variant on CTNNA1 protein function. In summary, the available evidence is currently insufficient to determine the role of this variant in disease. Therefore, it has been classified as a Variant of Uncertain Significance.

NM_001903.5(CTNNA1):c.1014T>A (p.Asn338Lys)

Gene: CTNNA1 (catenin alpha 1; plus strand). Cytogenetic location: 5q31.2.
Variant type: single nucleotide variant.
Coding change: c.1014T>A on transcript NM_001903.5 (MANE Select); coding-DNA position 1014, T replaced by A.
Protein change: p.Asn338Lys; replaces asparagine 338 with lysine.
Molecular consequence: missense variant.
Genome position (GRCh38, 1-based): chr5:138,827,670, T>A. VCF-style: chr5-138827670-T-A. GRCh37 (hg19) VCF-style: chr5-138163359-T-A.
Other names: c.1014T>A, p.Asn338Lys (NM_001290307.3, NM_001323982.2, NM_001323983.1 and 3 more transcripts); c.705T>A, p.Asn235Lys (NM_001290309.3); c.645T>A, p.Asn215Lys (NM_001290310.3); short protein forms N215K, N338K, N235K.
Identifiers: ClinVar variation 4745106 (VCV004745106.1).